The following is an entry in ClinVar:

ClinVar aggregate classification (germline): Conflicting classifications of pathogenicity. Review status: criteria provided, conflicting classifications (1 of 4 stars). 2 submissions from 2 submitters: Uncertain significance (1); Likely benign (1). Last evaluated 2024-09-18.

Conditions:
Hereditary cancer-predisposing syndrome. Also called: Hereditary neoplastic syndrome; Neoplastic Syndromes, Hereditary; Tumor predisposition; Hereditary Cancer Syndrome. Identifiers: Orphanet 140162, MedGen C0027672, MeSH D009386, MONDO:0015356.
Hereditary breast ovarian cancer syndrome. Also called: Hereditary breast and ovarian cancer syndrome (HBOC); Breast and ovarian cancer; Hereditary breast and/or ovarian cancer syndrome; BRCA1- and BRCA2-Associated Hereditary Breast and Ovarian Cancer; Hereditary breast and ovarian cancer syndrome; Hereditary breast and ovarian cancer. Identifiers: Orphanet 145, MedGen C0677776, MeSH D061325, MONDO:0003582. Disease mechanism: loss of function.

gnomAD v4.1: 1 of 1,614,150 alleles (0.000062%); highest among the groups gnomAD compares: African/African-American, 0.0013%; no homozygotes.

Submissions (2):

Labcorp Genetics (formerly Invitae), Labcorp
Classification: Uncertain significance for Hereditary breast ovarian cancer syndrome. Last evaluated: 2024-09-18. Review status: criteria provided, single submitter. Criteria: Invitae Variant Classification Sherloc (09022015). Collection method: clinical testing. Allele origin: germline.
Comment: This sequence change replaces serine, which is neutral and polar, with phenylalanine, which is neutral and non-polar, at codon 3319 of the BRCA2 protein (p.Ser3319Phe). This variant is not present in population databases (gnomAD no frequency). This variant has not been reported in the literature in individuals affected with BRCA2-related conditions. ClinVar contains an entry for this variant (Variation ID: 185824). Invitae Evidence Modeling of protein sequence and biophysical properties (such as structural, functional, and spatial information, amino acid conservation, physicochemical variation, residue mobility, and thermodynamic stability) indicates that this missense variant is not expected to disrupt BRCA2 protein function with a negative predictive value of 95%. In summary, the available evidence is currently insufficient to determine the role of this variant in disease. Therefore, it has been classified as a Variant of Uncertain Significance.

Ambry Genetics
Classification: Likely benign for Hereditary cancer-predisposing syndrome. Last evaluated: 2020-06-18. Review status: criteria provided, single submitter. Criteria: Ambry Variant Classification Scheme 2023. Collection method: clinical testing. Allele origin: germline.

NM_000059.4(BRCA2):c.9956C>T (p.Ser3319Phe)

Gene: BRCA2 (BRCA2 DNA repair associated; plus strand). Cytogenetic location: 13q13.1.
Variant type: single nucleotide variant.
Coding change: c.9956C>T on transcript NM_000059.4 (MANE Select); coding-DNA position 9956, C replaced by T.
Protein change: p.Ser3319Phe; replaces serine 3319 with phenylalanine.
Molecular consequence: missense variant.
Genome position (GRCh38, 1-based): chr13:32,398,469, C>T. VCF-style: chr13-32398469-C-T. GRCh37 (hg19) VCF-style: chr13-32972606-C-T.
Other names: short protein forms S3319F.
Identifiers: ClinVar variation 185824 (VCV000185824.14), dbSNP rs778694116, ClinGen allele CA026347.